The following is an entry in ClinVar:

ClinVar aggregate classification (germline): Uncertain significance (1 of 4 stars; one submission).

Allele frequency attached by ClinVar (database versions not stated): gnomAD 0.00001; gnomAD exomes 0.00001; TOPMed 0.00001; ExAC 0.00004.
gnomAD v4.1: 20 of 1,612,440 alleles (0.0012%); highest among the groups gnomAD compares: African/African-American, 0.0067%; no homozygotes.

Submission:

Labcorp Genetics (formerly Invitae), Labcorp
Classification: Uncertain significance. Last evaluated: 2024-03-13. Review status: criteria provided, single submitter. Criteria: Invitae Variant Classification Sherloc (09022015). Collection method: clinical testing. Allele origin: germline.
Comment: This sequence change replaces proline, which is neutral and non-polar, with leucine, which is neutral and non-polar, at codon 300 of the FGFR3 protein (p.Pro300Leu). This variant is present in population databases (rs780313125, gnomAD 0.007%). This variant has not been reported in the literature in individuals affected with FGFR3-related conditions. Advanced modeling of protein sequence and biophysical properties (such as structural, functional, and spatial information, amino acid conservation, physicochemical variation, residue mobility, and thermodynamic stability) has been performed at Invitae for this missense variant, however the output from this modeling did not meet the statistical confidence thresholds required to predict the impact of this variant on FGFR3 protein function. In summary, the available evidence is currently insufficient to determine the role of this variant in disease. Therefore, it has been classified as a Variant of Uncertain Significance.

NM_000142.5(FGFR3):c.899C>T (p.Pro300Leu)

Gene: FGFR3 (fibroblast growth factor receptor 3; plus strand). Cytogenetic location: 4p16.3.
Variant type: single nucleotide variant.
Coding change: c.899C>T on transcript NM_000142.5 (MANE Select); coding-DNA position 899, C replaced by T.
Protein change: p.Pro300Leu; replaces proline 300 with leucine.
Molecular consequence: missense variant. On other transcripts: non-coding transcript variant (1).
Genome position (GRCh38, 1-based): chr4:1,801,994, C>T. VCF-style: chr4-1801994-C-T. GRCh37 (hg19) VCF-style: chr4-1803721-C-T.
Other names: c.899C>T, p.Pro300Leu (NM_001163213.2, NM_001354809.2, NM_001354810.2 and 1 more transcripts); short protein forms P300L.
Identifiers: ClinVar variation 2723085 (VCV002723085.2), dbSNP rs780313125, ClinGen allele CA2810005.
Genomic context (GRCh38, chr4:1,801,994, plus strand): 5'-ACGCACAGCCCCACATCCAGTGGCTCAAGCACGTGGAGGTGAATGGCAGCAAGGTGGGCC[C>T]GGACGGCACACCCTACGTTACCGTGCTCAAGGTGGGCCACCGTGTGCACGTGGGTGCCGC-3'
Protein context (NP_000133.1, residues 290-310): HVEVNGSKVG[Pro300Leu]DGTPYVTVLK